The following is an entry in ClinVar:

NM_000687.4(AHCY):c.1296C>G (p.Tyr432Ter)

Gene: AHCY (adenosylhomocysteinase; minus strand). Cytogenetic location: 20q11.22.
Variant type: single nucleotide variant.
Coding change: c.1296C>G on transcript NM_000687.4 (MANE Select); coding-DNA position 1296, C replaced by G.
Protein change: p.Tyr432Ter; replaces tyrosine 432 with a stop codon.
Molecular consequence: nonsense.
Genome position (GRCh38, 1-based): chr20:34,281,037, G>C on the plus strand (C>G on the coding strand, the complement: AHCY is on the minus strand). VCF-style: chr20-34281037-G-C. GRCh37 (hg19) VCF-style: chr20-32868843-G-C.
Other names: c.1212C>G, p.Tyr404Ter (NM_001161766.2, NM_001322084.2, NM_001322085.2); c.1302C>G, p.Tyr434Ter (NM_001322086.2); c.1296C>G, p.Tyr432Ter (NM_001362750.2); short protein forms Y404*, Y432*, Y434*.
Identifiers: ClinVar variation 2428070 (VCV002428070.3), dbSNP rs1395290005, ClinGen allele CA408652111.

ClinVar aggregate classification (germline): Uncertain significance (1 of 4 stars; one submission).

Conditions:
Hypermethioninemia with deficiency of S-adenosylhomocysteine hydrolase. Identifiers: Orphanet 88618, MedGen C3151058, MONDO:0013404, OMIM 613752.

Allele frequency attached by ClinVar (database versions not stated): gnomAD exomes below 0.00001.
gnomAD v4.1: 3 of 1,614,146 alleles (0.00019%); highest among the groups gnomAD compares: Admixed American, 0.0033%; no homozygotes.

Submission:

Labcorp Genetics (formerly Invitae), Labcorp
Classification: Uncertain significance for Hypermethioninemia with deficiency of S-adenosylhomocysteine hydrolase. Last evaluated: 2022-07-15. Review status: criteria provided, single submitter. Criteria: Invitae Variant Classification Sherloc (09022015). Collection method: clinical testing. Allele origin: germline.
Comment: This sequence change creates a premature translational stop signal (p.Tyr432*) in the AHCY gene. While this is not anticipated to result in nonsense mediated decay, it is expected to disrupt the last 1 amino acid(s) of the AHCY protein. This variant is present in population databases (no rsID available, gnomAD 0.006%). This variant has not been reported in the literature in individuals affected with AHCY-related conditions. Experimental studies and prediction algorithms are not available or were not evaluated, and the functional significance of this variant is currently unknown. In summary, the available evidence is currently insufficient to determine the role of this variant in disease. Therefore, it has been classified as a Variant of Uncertain Significance.